The following is an entry in ClinVar:

ClinVar aggregate classification (germline): Uncertain significance (1 of 4 stars; one submission).

gnomAD v4.1: 2 of 1,613,528 alleles (0.00012%); no homozygotes.

Submission:

Women's Health and Genetics/Laboratory Corporation of America, LabCorp
Classification: Uncertain significance. Last evaluated: 2026-03-26. Review status: criteria provided, single submitter. Criteria: LabCorp Variant Classification Summary - May 2015. Collection method: clinical testing. Allele origin: germline.
Comment: Variant summary: PAH c.1198A>G (p.Arg400Gly) results in a non-conservative amino acid change in the encoded protein sequence. Algorithms developed to predict the effect of missense changes on protein structure and function all suggest that this variant is likely to be disruptive. Several computational tools predict a significant impact on normal splicing: One predicts the variant abolishes a canonical 5' splicing donor site, two predict the variant weakens a canonical 5' donor site, and one predicts predict the variant has no significant impact on splicing. However, these predictions have yet to be confirmed by functional studies. The variant was absent in 251292 control chromosomes. The available data on variant occurrences in the general population are insufficient to allow any conclusion about variant significance. To our knowledge, no occurrence of c.1198A>G in individuals affected with PAH-related conditions and no experimental evidence demonstrating its impact on protein function have been reported. Multiple variants located at the same codon (c.1199G>A, p.Arg400Lys; c.1199G>C, p.Arg400Thr) have been classified as Pathogenic/Likely Pathogenic, supporting a critical relevance of this residue to PAH protein function. No submitters have cited clinical-significance assessments for this variant to ClinVar. Based on the evidence outlined above, the variant was classified as VUS-possibly pathogenic.

NM_000277.3(PAH):c.1198A>G (p.Arg400Gly)

Gene: PAH (phenylalanine hydroxylase; minus strand). Cytogenetic location: 12q23.2.
Variant type: single nucleotide variant.
Coding change: c.1198A>G on transcript NM_000277.3 (MANE Select); coding-DNA position 1198, A replaced by G.
Protein change: p.Arg400Gly; replaces arginine 400 with glycine.
Molecular consequence: missense variant.
Genome position (GRCh38, 1-based): chr12:102,843,647, T>C on the plus strand (A>G on the coding strand, the complement: PAH is on the minus strand). VCF-style: chr12-102843647-T-C. GRCh37 (hg19) VCF-style: chr12-103237425-T-C.
Other names: c.1198A>G, p.Arg400Gly (NM_001354304.2); short protein forms R400G.
Identifiers: ClinVar variation 4847677 (VCV004847677.1).